The following is an entry in ClinVar:

NM_130384.3(ATRIP):c.1775A>C (p.Lys592Thr)

Genes: ATRIP (ATR interacting protein; plus strand), ATRIP-TREX1 (ATRIP-TREX1 readthrough; plus strand). Cytogenetic location: 3p21.31.
Variant type: single nucleotide variant.
Coding change: c.1775A>C on transcript NM_130384.3 (MANE Select); coding-DNA position 1775, A replaced by C.
Protein change: p.Lys592Thr; replaces lysine 592 with threonine.
Molecular consequence: missense variant. On other transcripts: non-coding transcript variant (1).
Genome position (GRCh38, 1-based): chr3:48,463,774, A>C. VCF-style: chr3-48463774-A-C. GRCh37 (hg19) VCF-style: chr3-48505173-A-C.
Other names: c.1394A>C, p.Lys465Thr (NM_001271022.2); c.1496A>C, p.Lys499Thr (NM_001271023.2); c.1775A>C, p.Lys592Thr (NM_032166.4); short protein forms K499T, K465T, K592T.
Identifiers: ClinVar variation 3809978 (VCV003809978.1).

ClinVar aggregate classification (germline): Uncertain significance (1 of 4 stars; one submission).

Submission:

Ambry Genetics
Classification: Uncertain significance. Last evaluated: 2025-01-17. Review status: criteria provided, single submitter. Criteria: Ambry Variant Classification Scheme 2023. Collection method: clinical testing. Allele origin: germline.
Comment: The p.K592T variant (also known as c.1775A>C), located in coding exon 9 of the ATRIP gene, results from an A to C substitution at nucleotide position 1775. The lysine at codon 592 is replaced by threonine, an amino acid with similar properties. This amino acid position is conserved. In addition, this alteration is predicted to be tolerated by in silico analysis. Based on the available evidence, the clinical significance of this variant remains unclear.